The following is an entry in ClinVar:

NM_001123385.2(BCOR):c.3933C>G (p.Cys1311Trp)

Gene: BCOR (BCL6 corepressor; minus strand). Cytogenetic location: Xp11.4.
Variant type: single nucleotide variant.
Coding change: c.3933C>G on transcript NM_001123385.2 (MANE Select); coding-DNA position 3933, C replaced by G.
Protein change: p.Cys1311Trp; replaces cysteine 1311 with tryptophan.
Molecular consequence: missense variant.
Genome position (GRCh38, 1-based): chrX:40,062,986, G>C on the plus strand (C>G on the coding strand, the complement: BCOR is on the minus strand). VCF-style: chrX-40062986-G-C. GRCh37 (hg19) VCF-style: chrX-39922239-G-C.
Other names: c.3831C>G, p.Cys1277Trp (NM_001123383.2, NM_017745.6); c.3777C>G, p.Cys1259Trp (NM_001123384.2); short protein forms C1259W, C1277W, C1311W.
Identifiers: ClinVar variation 1204834 (VCV001204834.4), dbSNP rs781293725, ClinGen allele CA412737132.
Genomic context (GRCh38, chrX:40,062,986, plus strand): 5'-ATCTGTCTTCTGGTTTTCTTTAATTTTCTGCTGTTTGGCAGGCGGCCTGGAGGCTGGTGC[G>C]CAGCTTGGCTGAGCCTGCTTTTTGCCGCCTGCACTGGTGGATGAAAGACTCTTCATGGGC-3'
Protein context (NP_001116857.1, residues 1301-1321): AGGKKQAQPS[Cys1311Trp]APASRPPAKQ

ClinVar aggregate classification (germline): Uncertain significance. Review status: criteria provided, multiple submitters, no conflicts (2 of 4 stars). 2 submissions from 2 submitters: Uncertain significance (2). Last evaluated 2026-06-15.

Conditions:
Inborn genetic diseases. Identifiers: MedGen C0950123, MeSH D030342.

Submissions (2):

Ambry Genetics
Classification: Uncertain significance for Inborn genetic diseases. Last evaluated: 2026-06-15. Review status: criteria provided, single submitter. Criteria: Ambry Variant Classification Scheme 2023. Collection method: clinical testing. Allele origin: germline.

GeneDx
Classification: Uncertain significance. Last evaluated: 2021-06-22. Review status: criteria provided, single submitter. Criteria: GeneDx Variant Classification Process June 2021. Collection method: clinical testing. Allele origin: germline. Affected: yes.
Comment: Not observed in large population cohorts (Lek et al., 2016); In silico analysis supports that this missense variant has a deleterious effect on protein structure/function; Has not been previously published as pathogenic or benign to our knowledge; This variant is associated with the following publications: (PMID: 27535533)